The following is an entry in ClinVar:

NM_025074.7(FRAS1):c.789+1G>A

Gene: FRAS1 (Fraser extracellular matrix complex subunit 1; plus strand). Cytogenetic location: 4q21.21.
Variant type: single nucleotide variant.
Coding change: c.789+1G>A on transcript NM_025074.7 (MANE Select); the canonical splice donor site of the intron after coding-DNA position 789, G replaced by A.
Molecular consequence: splice donor variant.
Genome position (GRCh38, 1-based): chr4:78,266,936, G>A. VCF-style: chr4-78266936-G-A. GRCh37 (hg19) VCF-style: chr4-79188090-G-A.
Other names: c.789+1G>A (NM_001166133.2).
Identifiers: ClinVar variation 3006030 (VCV003006030.3), dbSNP rs944626522, ClinGen allele CA99949661.

ClinVar aggregate classification (germline): Likely pathogenic (1 of 4 stars; one submission).

Allele frequency attached by ClinVar (database versions not stated): gnomAD exomes below 0.00001; gnomAD 0.00001.
gnomAD v4.1: 2 of 1,588,328 alleles (0.00013%); highest among the groups gnomAD compares: African/African-American, 0.0013%; no homozygotes.

Submission:

Labcorp Genetics (formerly Invitae), Labcorp
Classification: Likely pathogenic. Last evaluated: 2023-08-07. Review status: criteria provided, single submitter. Criteria: Invitae Variant Classification Sherloc (09022015). Collection method: clinical testing. Allele origin: germline.
Comment: Algorithms developed to predict the effect of sequence changes on RNA splicing suggest that this variant may disrupt the consensus splice site. In summary, the currently available evidence indicates that the variant is pathogenic, but additional data are needed to prove that conclusively. Therefore, this variant has been classified as Likely Pathogenic. This variant has not been reported in the literature in individuals affected with FRAS1-related conditions. This variant is not present in population databases (gnomAD no frequency). This sequence change affects a donor splice site in intron 8 of the FRAS1 gene. It is expected to disrupt RNA splicing. Variants that disrupt the donor or acceptor splice site typically lead to a loss of protein function (PMID: 16199547), and loss-of-function variants in FRAS1 are known to be pathogenic (PMID: 12766769, 18671281).

Literature cited by the submitters: PubMed 16199547; PubMed 12766769; PubMed 18671281.